The following is an entry in ClinVar:

NM_006269.2(RP1):c.3505C>T (p.His1169Tyr)

Gene: RP1 (RP1 axonemal microtubule associated; plus strand). Cytogenetic location: 8q12.1.
Variant type: single nucleotide variant.
Coding change: c.3505C>T on transcript NM_006269.2 (MANE Select); coding-DNA position 3505, C replaced by T.
Protein change: p.His1169Tyr; replaces histidine 1169 with tyrosine.
Molecular consequence: missense variant. On other transcripts: intron variant (1).
Genome position (GRCh38, 1-based): chr8:54,627,387, C>T. VCF-style: chr8-54627387-C-T. GRCh37 (hg19) VCF-style: chr8-55539947-C-T.
Other names: c.787+5099C>T (NM_001375654.1); short protein forms H1169Y.
Identifiers: ClinVar variation 4764538 (VCV004764538.1).

ClinVar aggregate classification (germline): Uncertain significance (1 of 4 stars; one submission).

gnomAD v4.1: 2 of 1,614,034 alleles (0.00012%); highest among the groups gnomAD compares: Admixed American, 0.0033%; no homozygotes.

Submission:

Labcorp Genetics (formerly Invitae), Labcorp
Classification: Uncertain significance. Last evaluated: 2025-08-19. Review status: criteria provided, single submitter. Criteria: Invitae Variant Classification Sherloc (09022015). Collection method: clinical testing. Allele origin: germline.
Comment: This sequence change replaces histidine, which is basic and polar, with tyrosine, which is neutral and polar, at codon 1169 of the RP1 protein (p.His1169Tyr). This variant is not present in population databases (gnomAD no frequency). This variant has not been reported in the literature in individuals affected with RP1-related conditions. An algorithm developed to predict the effect of missense changes on protein structure and function (PolyPhen-2) suggests that this variant is likely to be disruptive. In summary, the available evidence is currently insufficient to determine the role of this variant in disease. Therefore, it has been classified as a Variant of Uncertain Significance.